The following is an entry in ClinVar:

ClinVar aggregate classification (germline): Likely benign (1 of 4 stars; one submission).

Allele frequency attached by ClinVar (database versions not stated): gnomAD exomes 0.00001.
gnomAD v4.1: 5 of 1,613,854 alleles (0.00031%); highest among the groups gnomAD compares: Non-Finnish European, 0.00042%; no homozygotes.

Submission:

CeGaT Center for Human Genetics Tuebingen
Classification: Likely benign. Last evaluated: 2022-08-01. Review status: criteria provided, single submitter. Criteria: CeGaT Center For Human Genetics Tuebingen Variant Classification Criteria Version 2. Collection method: clinical testing. Allele origin: germline. Affected: yes. Observed: 1 variant allele.
Comment: HNRNPK: BP4, BP7

NM_031263.4(HNRNPK):c.720A>C (p.Thr240=)

Genes: HNRNPK (heterogeneous nuclear ribonucleoprotein K; minus strand), HNRNPK-AS1 (HNRNPK antisense RNA 1; plus strand). Cytogenetic location: 9q21.32.
Variant type: single nucleotide variant.
Coding change: c.720A>C on transcript NM_031263.4 (MANE Select); coding-DNA position 720, A replaced by C.
Protein change: p.Thr240=; no amino-acid change (threonine 240 retained).
Molecular consequence: synonymous variant. On other transcripts: non-coding transcript variant (1).
Genome position (GRCh38, 1-based): chr9:83,972,115, T>G on the plus strand (A>C on the coding strand, the complement: HNRNPK is on the minus strand). VCF-style: chr9-83972115-T-G. GRCh37 (hg19) VCF-style: chr9-86587030-T-G.
Other names: c.648A>C, p.Thr216= (NM_001318186.2, NM_001318187.2); c.720A>C, p.Thr240= (NM_001318188.2, NM_002140.5, NM_031262.4).
Identifiers: ClinVar variation 2659282 (VCV002659282.24), dbSNP rs1564061948, ClinGen allele CA465714919.
Genomic context (GRCh38, chr9:83,972,115, plus strand): 5'-ACCACCTCTTCCCCGCATGGGAAATCCCACTGGGCGTCCGCGACGGTCATCAAACATCAT[T>G]GTAAAACCACCATAATCATAGGTTTCATCGTAAAAATTGGGATCATAAGGCTGTGCACGT-3'
Protein context (NP_112553.1, residues 230-250): YDETYDYGGF[Thr240=]MMFDDRRGRP